The following is an entry in ClinVar:

NM_024426.6(WT1):c.127G>A (p.Gly43Ser)

Genes: WT1 (WT1 transcription factor; minus strand), LOC107982234 (WT1/WT1-AS bi-directional promoter region; plus strand). Cytogenetic location: 11p13.
Variant type: single nucleotide variant.
Coding change: c.127G>A on transcript NM_024426.6 (MANE Select); coding-DNA position 127, G replaced by A.
Protein change: p.Gly43Ser; replaces glycine 43 with serine.
Molecular consequence: missense variant. On other transcripts: non-coding transcript variant (2).
Genome position (GRCh38, 1-based): chr11:32,435,234, C>T on the plus strand (G>A on the coding strand, the complement: WT1 is on the minus strand). VCF-style: chr11-32435234-C-T. GRCh37 (hg19) VCF-style: chr11-32456780-C-T.
Other names: c.127G>A, p.Gly43Ser (NM_000378.6, NM_001407044.1, NM_001407045.1 and 6 more transcripts); c.112G>A, p.Gly38Ser (NM_024425.2); short protein forms G38S, G43S.
Identifiers: ClinVar variation 2930680 (VCV002930680.3), dbSNP rs1166553415, ClinGen allele CA379966332.

ClinVar aggregate classification (germline): Uncertain significance. Review status: criteria provided, multiple submitters, no conflicts (2 of 4 stars). 2 submissions from 2 submitters: Uncertain significance (2). Last evaluated 2024-03-05.

Conditions:
Drash syndrome (DDS). Also called: NEPHROPATHY, WILMS TUMOR, AND GENITAL ANOMALIES; WILMS TUMOR AND PSEUDO- OR TRUE HERMAPHRODITISM. Identifiers: Orphanet 220, MedGen C0950121, MONDO:0008682, OMIM 194080.
Wilms tumor 1 (WT1). Also called: Wilms tumor, somatic. Identifiers: Orphanet 654, MedGen CN033288, MONDO:0008679, OMIM 194070.
11p partial monosomy syndrome (WAGR). Also called: CHROMOSOME 11p13 DELETION SYNDROME; WAGR Spectrum Disorder; WAGR syndrome; WAGR Complex. Identifiers: Orphanet 893, MedGen C0206115, MONDO:0008681, OMIM 194072.
Frasier syndrome. Identifiers: Orphanet 347, MedGen C0950122, MeSH D052159, MONDO:0007635, OMIM 136680.

Allele frequency attached by ClinVar (database versions not stated): gnomAD exomes below 0.00001.

Submissions (2):

All of Us Research Program, National Institutes of Health
Classification: Uncertain significance for Wilms tumor 1. Last evaluated: 2024-03-05. Review status: criteria provided, single submitter. Criteria: ACMG Guidelines, 2015. Collection method: clinical testing. Allele origin: germline. Inheritance: Autosomal dominant inheritance. Observed: 1 variant allele, 1 heterozygote.
Comment: This study involves interpretation of variants in research participants for the purpose of population health screening. Participant phenotype was not available at the time of variant classification. Additional details can be found in publication PMID: 35346344, PMCID: PMC8962531

Labcorp Genetics (formerly Invitae), Labcorp
Classification: Uncertain significance for Wilms tumor 1; Drash syndrome; 11p partial monosomy syndrome; Frasier syndrome. Last evaluated: 2023-03-22. Review status: criteria provided, single submitter. Criteria: Invitae Variant Classification Sherloc (09022015). Collection method: clinical testing. Allele origin: germline.
Comment: This sequence change replaces glycine, which is neutral and non-polar, with serine, which is neutral and polar, at codon 38 of the WT1 protein (p.Gly38Ser). The frequency data for this variant in the population databases is considered unreliable, as metrics indicate poor data quality at this position in the gnomAD database. This variant has not been reported in the literature in individuals affected with WT1-related conditions. Algorithms developed to predict the effect of missense changes on protein structure and function output the following: SIFT: "Not Available"; PolyPhen-2: "Benign"; Align-GVGD: "Not Available". The serine amino acid residue is found in multiple mammalian species, which suggests that this missense change does not adversely affect protein function. In summary, the available evidence is currently insufficient to determine the role of this variant in disease. Therefore, it has been classified as a Variant of Uncertain Significance.